The following is an entry in ClinVar:

NM_004304.5(ALK):c.3622C>T (p.Leu1208Phe)

Gene: ALK (ALK receptor tyrosine kinase; minus strand). Cytogenetic location: 2p23.2.
Variant type: single nucleotide variant.
Coding change: c.3622C>T on transcript NM_004304.5 (MANE Select); coding-DNA position 3622, C replaced by T.
Protein change: p.Leu1208Phe; replaces leucine 1208 with phenylalanine.
Molecular consequence: missense variant.
Genome position (GRCh38, 1-based): chr2:29,220,729, G>A on the plus strand (C>T on the coding strand, the complement: ALK is on the minus strand). VCF-style: chr2-29220729-G-A. GRCh37 (hg19) VCF-style: chr2-29443595-G-A.
Other names: c.418C>T, p.Leu140Phe (NM_001353765.2); c.3622C>T (NM_004304.4); short protein forms L1208F, L140F.
Identifiers: ClinVar variation 2676130 (VCV002676130.2), dbSNP rs2148166364, ClinGen allele CA346472986.

ClinVar aggregate classification (germline): Uncertain significance. Review status: criteria provided, multiple submitters, no conflicts (2 of 4 stars). 2 submissions from 2 submitters: Uncertain significance (2). Last evaluated 2026-02-19.

Conditions:
Neuroblastoma, susceptibility to, 3. Also called: ALK-Related Neuroblastic Tumor Susceptibility. Identifiers: Orphanet 635, MedGen C2751681, MONDO:0013083, OMIM 613014.
Hereditary cancer-predisposing syndrome. Also called: Tumor predisposition; Hereditary Cancer Syndrome; Hereditary neoplastic syndrome; Neoplastic Syndromes, Hereditary. Identifiers: Orphanet 140162, MedGen C0027672, MeSH D009386, MONDO:0015356.

Allele frequency attached by ClinVar (database versions not stated): gnomAD exomes below 0.00001.
gnomAD v4.1: 1 of 1,613,860 alleles (0.000062%); highest among the groups gnomAD compares: Non-Finnish European, 0.000085%; no homozygotes.

Submissions (2):

Ambry Genetics
Classification: Uncertain significance for Hereditary cancer-predisposing syndrome. Last evaluated: 2026-02-19. Review status: criteria provided, single submitter. Criteria: Ambry Variant Classification Scheme 2023. Collection method: clinical testing. Allele origin: germline.
Comment: The p.L1208F variant (also known as c.3622C>T), located in coding exon 23 of the ALK gene, results from a C to T substitution at nucleotide position 3622. The leucine at codon 1208 is replaced by phenylalanine, an amino acid with highly similar properties. This amino acid position is well conserved in available vertebrate species. In addition, the in silico prediction for this alteration is inconclusive. Based on the available evidence, the clinical significance of this variant remains unclear.

Baylor Genetics
Classification: Uncertain significance for Neuroblastoma, susceptibility to, 3. Last evaluated: 2023-07-20. Review status: criteria provided, single submitter. Criteria: ACMG Guidelines, 2015. Collection method: clinical testing. Allele origin: unknown.